The following is an entry in ClinVar:

NM_182746.3(MCM4):c.1966G>A (p.Glu656Lys)

Gene: MCM4 (minichromosome maintenance complex component 4; plus strand). Cytogenetic location: 8q11.21.
Variant type: single nucleotide variant.
Coding change: c.1966G>A on transcript NM_182746.3 (MANE Select); coding-DNA position 1966, G replaced by A.
Protein change: p.Glu656Lys; replaces glutamic acid 656 with lysine.
Molecular consequence: missense variant.
Genome position (GRCh38, 1-based): chr8:47,972,894, G>A. VCF-style: chr8-47972894-G-A. GRCh37 (hg19) VCF-style: chr8-48885454-G-A.
Other names: c.1966G>A, p.Glu656Lys (NM_005914.4); c.1966G>A (NM_005914.3); short protein forms E656K.
Identifiers: ClinVar variation 2178680 (VCV002178680.3), dbSNP rs1211551548, ClinGen allele CA371154145.

ClinVar aggregate classification (germline): Uncertain significance. Review status: criteria provided, multiple submitters, no conflicts (2 of 4 stars). 3 submissions from 3 submitters: Uncertain significance (3). Last evaluated 2024-08-19.

Conditions:
Primary immunodeficiency with natural-killer cell deficiency and adrenal insufficiency (IMD54). Also called: Natural killer cell and glucocorticoid deficiency with DNA repair defect; IMMUNODEFICIENCY 54. Identifiers: Orphanet 75391, MedGen C1864947, MONDO:0012383, OMIM 609981.

Allele frequency attached by ClinVar (database versions not stated): gnomAD exomes 0.00002; TOPMed 0.00002.
gnomAD v4.1: 25 of 1,614,094 alleles (0.0015%); highest among the groups gnomAD compares: Non-Finnish European, 0.0017%; no homozygotes.

Submissions (3):

Ambry Genetics
Classification: Uncertain significance. Last evaluated: 2024-08-19. Review status: criteria provided, single submitter. Criteria: Ambry Variant Classification Scheme 2023. Collection method: clinical testing. Allele origin: germline.

Fulgent Genetics
Classification: Uncertain significance for Primary immunodeficiency with natural-killer cell deficiency and adrenal insufficiency. Last evaluated: 2024-03-20. Review status: criteria provided, single submitter. Criteria: ACMG Guidelines, 2015. Collection method: clinical testing. Allele origin: germline.

Labcorp Genetics (formerly Invitae), Labcorp
Classification: Uncertain significance. Last evaluated: 2022-03-01. Review status: criteria provided, single submitter. Criteria: Invitae Variant Classification Sherloc (09022015). Collection method: clinical testing. Allele origin: germline.
Comment: This sequence change replaces glutamic acid, which is acidic and polar, with lysine, which is basic and polar, at codon 656 of the MCM4 protein (p.Glu656Lys). The frequency data for this variant in the population databases is considered unreliable, as metrics indicate poor data quality at this position in the gnomAD database. This variant has not been reported in the literature in individuals affected with MCM4-related conditions. Algorithms developed to predict the effect of missense changes on protein structure and function (SIFT, PolyPhen-2, Align-GVGD) all suggest that this variant is likely to be disruptive. In summary, the available evidence is currently insufficient to determine the role of this variant in disease. Therefore, it has been classified as a Variant of Uncertain Significance.